The following is an entry in ClinVar:

NM_001040108.2(MLH3):c.1771G>A (p.Gly591Arg)

Gene: MLH3 (mutL homolog 3; minus strand). Cytogenetic location: 14q24.3.
Variant type: single nucleotide variant.
Coding change: c.1771G>A on transcript NM_001040108.2 (MANE Select); coding-DNA position 1771, G replaced by A.
Protein change: p.Gly591Arg; replaces glycine 591 with arginine.
Molecular consequence: missense variant.
Genome position (GRCh38, 1-based): chr14:75,047,885, C>T on the plus strand (G>A on the coding strand, the complement: MLH3 is on the minus strand). VCF-style: chr14-75047885-C-T. GRCh37 (hg19) VCF-style: chr14-75514588-C-T.
Other names: c.1771G>A, p.Gly591Arg (NM_014381.3); short protein forms G591R.
Identifiers: ClinVar variation 3232455 (VCV003232455.1), dbSNP rs2139576381, ClinGen allele CA390444360.

ClinVar aggregate classification (germline): Uncertain significance (1 of 4 stars; one submission).

Allele frequency attached by ClinVar (database versions not stated): gnomAD exomes below 0.00001.
gnomAD v4.1: 2 of 1,613,340 alleles (0.00012%); highest among the groups gnomAD compares: Non-Finnish European, 0.00017%; no homozygotes.

Submission:

Ambry Genetics
Classification: Uncertain significance. Last evaluated: 2023-12-14. Review status: criteria provided, single submitter. Criteria: Ambry Variant Classification Scheme 2023. Collection method: clinical testing. Allele origin: germline.
Comment: The p.G591R variant (also known as c.1771G>A), located in coding exon 1 of the MLH3 gene, results from a G to A substitution at nucleotide position 1771. The glycine at codon 591 is replaced by arginine, an amino acid with dissimilar properties. This amino acid position is conserved. In addition, this alteration is predicted to be tolerated by in silico analysis. Since supporting evidence is limited at this time, the clinical significance of this alteration remains unclear.